The following is an entry in ClinVar:

NM_007194.4(CHEK2):c.1335_1336del (p.Tyr445_Asn446delinsTer)

Gene: CHEK2 (checkpoint kinase 2; minus strand). Cytogenetic location: 22q12.1.
Variant type: Deletion.
Coding change: c.1335_1336del on transcript NM_007194.4 (MANE Select); coding-DNA positions 1335 to 1336, 2 bases deleted (CA; older notation c.1335_1336delCA).
Protein change: p.Tyr445_Asn446delinsTer.
Molecular consequence: nonsense. On other transcripts: frameshift variant (4).
Genome position (GRCh38, 1-based): chr22:28,695,166-28,695,167, TG deleted on the plus strand (CA on the coding strand, the reverse complement: CHEK2 is on the minus strand); deleting any 2 consecutive bases within chr22:28,695,166-28,695,168 gives the same sequence; the c. name uses the placement nearest the transcript's 3' end. VCF-style (leftmost placement, unchanged base first): chr22-28695165-TTG-T. GRCh37 (hg19) VCF-style: chr22-29091153-TTG-T.
Other names: c.1247_1248delAC, p.Tyr416Terfs (NM_145862.3); c.1463_1464delAC, p.Tyr488Terfs (NM_001005735.3); c.671_672delAC, p.Tyr224Terfs (NM_001257387.3); c.1133_1134delAC, p.Tyr378Terfs (NM_001349956.3).
Identifiers: ClinVar variation 2031579 (VCV002031579.4), dbSNP rs2517796216, ClinGen allele CA2580099412.

ClinVar aggregate classification (germline): Pathogenic (1 of 4 stars; one submission).

Conditions:
Familial cancer of breast. Also called: BREAST CANCER, FAMILIAL; Hereditary breast cancer; hereditary breast carcinoma. Identifiers: Orphanet 227535, MedGen C0346153, MONDO:0016419, OMIM 114480. Disease mechanism: loss of function.

Submission:

Labcorp Genetics (formerly Invitae), Labcorp
Classification: Pathogenic for Familial cancer of breast. Last evaluated: 2022-09-21. Review status: criteria provided, single submitter. Criteria: Invitae Variant Classification Sherloc (09022015). Collection method: clinical testing. Allele origin: germline.
Comment: This sequence change creates a premature translational stop signal (p.Tyr445*) in the CHEK2 gene. It is expected to result in an absent or disrupted protein product. Loss-of-function variants in CHEK2 are known to be pathogenic (PMID: 21876083, 24713400). This variant is not present in population databases (gnomAD no frequency). This variant has not been reported in the literature in individuals affected with CHEK2-related conditions. For these reasons, this variant has been classified as Pathogenic.

Literature cited by the submitters: PubMed 21876083; PubMed 24713400.